The following is an entry in ClinVar:

NM_001042492.3(NF1):c.1063-1del

Gene: NF1 (neurofibromin 1; plus strand). Cytogenetic location: 17q11.2.
Variant type: Deletion.
Coding change: c.1063-1del on transcript NM_001042492.3 (MANE Select); the canonical splice acceptor site of the intron before coding-DNA position 1063, one base deleted (G; older notation c.1063-1delG).
Molecular consequence: splice acceptor variant.
Genome position (GRCh38, 1-based): chr17:31,201,036, G deleted. VCF-style (leftmost placement, unchanged base first): chr17-31201035-AG-A. GRCh37 (hg19) VCF-style: chr17-29528053-AG-A.
Other names: c.1063-1del (NM_000267.4, NM_001128147.3).
Identifiers: ClinVar variation 2832132 (VCV002832132.3), dbSNP rs2544796668, ClinGen allele CA2739267330.
Genomic context (GRCh38, chr17:31,201,035, plus strand): 5'-GTTAGTAAAGAAATACTGCATGGGTATTTAAAGGCTTTTGTTTTCTGTTGGGGTTTTTAT[AG>A]AACCTGCTTTTTAATCCAAGTAAGCCATTCTCAAGAGGCAGTCAGCCTGCAGATGTGGAT-3'

ClinVar aggregate classification (germline): Pathogenic (1 of 4 stars; one submission).

Conditions:
Neurofibromatosis, type 1 (NF1). Also called: VON RECKLINGHAUSEN DISEASE; NEUROFIBROMATOSIS, TYPE I, SOMATIC; Neurofibromatosis, type I; Peripheral type neurofibromatosis. Identifiers: Orphanet 636, MedGen C0027831, MONDO:0018975, OMIM 162200. Disease mechanism: loss of function.

Submission:

Labcorp Genetics (formerly Invitae), Labcorp
Classification: Pathogenic for Neurofibromatosis, type 1. Last evaluated: 2023-10-26. Review status: criteria provided, single submitter. Criteria: Invitae Variant Classification Sherloc (09022015). Collection method: clinical testing. Allele origin: germline.
Comment: This sequence change affects a splice site in intron 9 of the NF1 gene. It is expected to disrupt RNA splicing. Variants that disrupt the donor or acceptor splice site typically lead to a loss of protein function (PMID: 16199547), and loss-of-function variants in NF1 are known to be pathogenic (PMID: 10712197, 23913538). This variant is not present in population databases (gnomAD no frequency). Disruption of this splice site has been observed in individual(s) with clinical features of neurofibromatosis type 1 (Invitae). In at least one individual the variant was observed to be de novo. Algorithms developed to predict the effect of sequence changes on RNA splicing suggest that this variant may disrupt the consensus splice site. For these reasons, this variant has been classified as Pathogenic.

Literature cited by the submitters: PubMed 16199547; PubMed 10712197; PubMed 23913538.